The following is an entry in ClinVar:

NM_003238.6(TGFB2):c.638A>G (p.His213Arg)

Gene: TGFB2 (transforming growth factor beta 2; plus strand). Cytogenetic location: 1q41.
Variant type: single nucleotide variant.
Coding change: c.638A>G on transcript NM_003238.6 (MANE Select); coding-DNA position 638, A replaced by G.
Protein change: p.His213Arg; replaces histidine 213 with arginine.
Molecular consequence: missense variant. On other transcripts: non-coding transcript variant (2).
Genome position (GRCh38, 1-based): chr1:218,434,209, A>G. VCF-style: chr1-218434209-A-G. GRCh37 (hg19) VCF-style: chr1-218607551-A-G.
Other names: c.722A>G, p.His241Arg (NM_001135599.4); short protein forms H241R, H213R.
Identifiers: ClinVar variation 2917202 (VCV002917202.3), dbSNP rs772460840, ClinGen allele CA1398555.
Genomic context (GRCh38, chr1:218,434,209, plus strand): 5'-GAGCAGAAGGCGAATGGCTCTCCTTCGATGTAACTGATGCTGTTCATGAATGGCTTCACC[A>G]TAAAGGTTACAAGCCACTCTCTCTTTTCCTCCCAAGATGTTCAGTATCCCTAAGTTACTT-3'
Protein context (NP_003229.1, residues 203-223): VTDAVHEWLH[His213Arg]KDRNLGFKIS

ClinVar aggregate classification (germline): Uncertain significance (1 of 4 stars; one submission).

Conditions:
Loeys-Dietz syndrome 4 (LDS4). Also called: TGFB2-Related Loeys-Dietz Syndrome; ANEURYSM, AORTIC AND CEREBRAL, WITH ARTERIAL TORTUOSITY AND SKELETAL MANIFESTATIONS. Identifiers: MedGen C3553762, MONDO:0013897, OMIM 614816.

Allele frequency attached by ClinVar (database versions not stated): ExAC 0.00001.

Submission:

Labcorp Genetics (formerly Invitae), Labcorp
Classification: Uncertain significance for Loeys-Dietz syndrome 4. Last evaluated: 2023-06-29. Review status: criteria provided, single submitter. Criteria: Invitae Variant Classification Sherloc (09022015). Collection method: clinical testing. Allele origin: germline.
Comment: In summary, the available evidence is currently insufficient to determine the role of this variant in disease. Therefore, it has been classified as a Variant of Uncertain Significance. Advanced modeling of protein sequence and biophysical properties (such as structural, functional, and spatial information, amino acid conservation, physicochemical variation, residue mobility, and thermodynamic stability) performed at Invitae indicates that this missense variant is not expected to disrupt TGFB2 protein function. This variant has not been reported in the literature in individuals affected with TGFB2-related conditions. This variant is not present in population databases (gnomAD no frequency). This sequence change replaces histidine, which is basic and polar, with arginine, which is basic and polar, at codon 213 of the TGFB2 protein (p.His213Arg).